The following is an entry in ClinVar:

NM_001395631.1(NBPF14):c.8799G>A (p.Pro2933=)

Gene: NBPF14 (NBPF member 14; minus strand). Cytogenetic location: 1q21.2.
Variant type: single nucleotide variant.
Coding change: c.8799G>A on transcript NM_001395631.1 (MANE Select); coding-DNA position 8799, G replaced by A.
Protein change: p.Pro2933=; no amino-acid change (proline 2933 retained).
Molecular consequence: synonymous variant.
Genome position (GRCh38, 1-based): chr1:148,533,173, C>T on the plus strand (G>A on the coding strand, the complement: NBPF14 is on the minus strand). VCF-style: chr1-148533173-C-T. GRCh37 (hg19) VCF-style: chr1-148004716-C-T.
Other names: c.8292G>A, p.Pro2764= (NM_015383.2).
Identifiers: ClinVar variation 3239219 (VCV003239219.19), dbSNP rs782214940.

ClinVar aggregate classification (germline): Likely benign (1 of 4 stars; one submission).

Allele frequency attached by ClinVar (database versions not stated): gnomAD 0.00001.

Submission:

CeGaT Center for Human Genetics Tuebingen
Classification: Likely benign. Last evaluated: 2025-11-01. Review status: criteria provided, single submitter. Criteria: CeGaT Center For Human Genetics Tuebingen Variant Classification Criteria Version 2. Collection method: clinical testing. Allele origin: germline. Affected: yes. Observed: 2 variant alleles.
Comment: NBPF14: BP4, BP7